The following is an entry in ClinVar:

ClinVar aggregate classification (germline): Uncertain significance (1 of 4 stars; one submission).

gnomAD v4.1: 8 of 1,613,898 alleles (0.0005%); highest among the groups gnomAD compares: African/African-American, 0.0027%; no homozygotes.

Submission:

Labcorp Genetics (formerly Invitae), Labcorp
Classification: Uncertain significance. Last evaluated: 2025-05-23. Review status: criteria provided, single submitter. Criteria: Invitae Variant Classification Sherloc (09022015). Collection method: clinical testing. Allele origin: germline.
Comment: This sequence change replaces arginine, which is basic and polar, with cysteine, which is neutral and slightly polar, at codon 1941 of the ACACA protein (p.Arg1941Cys). This variant is present in population databases (no rsID available, gnomAD 0.007%). This variant has not been reported in the literature in individuals affected with ACACA-related conditions. An algorithm developed to predict the effect of missense changes on protein structure and function (PolyPhen-2) suggests that this variant is likely to be tolerated. In summary, the available evidence is currently insufficient to determine the role of this variant in disease. Therefore, it has been classified as a Variant of Uncertain Significance.

NM_198834.3(ACACA):c.5932C>T (p.Arg1978Cys)

Gene: ACACA (acetyl-CoA carboxylase alpha; minus strand). Cytogenetic location: 17q12.
Variant type: single nucleotide variant.
Coding change: c.5932C>T on transcript NM_198834.3 (MANE Select); coding-DNA position 5932, C replaced by T.
Protein change: p.Arg1978Cys; replaces arginine 1978 with cysteine.
Molecular consequence: missense variant.
Genome position (GRCh38, 1-based): chr17:37,129,377, G>A on the plus strand (C>T on the coding strand, the complement: ACACA is on the minus strand). VCF-style: chr17-37129377-G-A. GRCh37 (hg19) VCF-style: chr17-35486303-G-A.
Other names: c.5821C>T, p.Arg1941Cys (NM_198836.3, NM_198839.3); c.5647C>T, p.Arg1883Cys (NM_198837.2); c.5587C>T, p.Arg1863Cys (NM_198838.2); short protein forms R1978C, R1863C, R1883C, R1941C.
Identifiers: ClinVar variation 4699228 (VCV004699228.1).